The following is an entry in ClinVar:

ClinVar aggregate classification (germline): Likely pathogenic (1 of 4 stars; one submission).

Conditions:
Hereditary hemorrhagic telangiectasia (HHT). Also called: ORW DISEASE; Osler Weber Rendu syndrome; OSLER-RENDU-WEBER DISEASE; Osler hemorrhagic telangiectasia syndrome. Identifiers: Orphanet 774, MedGen C0039445, MONDO:0019180. Disease mechanism: loss of function.

Submission:

Labcorp Genetics (formerly Invitae), Labcorp
Classification: Likely pathogenic for Hereditary hemorrhagic telangiectasia. Last evaluated: 2023-07-29. Review status: criteria provided, single submitter. Criteria: Invitae Variant Classification Sherloc (09022015). Collection method: clinical testing. Allele origin: germline.
Comment: In summary, the currently available evidence indicates that the variant is pathogenic, but additional data are needed to prove that conclusively. Therefore, this variant has been classified as Likely Pathogenic. Studies have shown that this variant results in skipping of exon 4 and introduces a premature termination codon (PMID: 25970827). The resulting mRNA is expected to undergo nonsense-mediated decay. This variant is not present in population databases (gnomAD no frequency). This variant has been observed in individual(s) with hereditary hemorrhagic telangiectasia (PMID: 25970827; Invitae). This sequence change falls in intron 3 of the ENG gene. It does not directly change the encoded amino acid sequence of the ENG protein. RNA analysis indicates that this variant induces altered splicing and may result in an absent or disrupted protein product.

Literature cited by the submitters: PubMed 25970827.

NM_001114753.3(ENG):c.361-11T>A

Gene: ENG (endoglin; minus strand). Cytogenetic location: 9q34.11.
Variant type: single nucleotide variant.
Coding change: c.361-11T>A on transcript NM_001114753.3 (MANE Select); 11 bases into the intron before coding-DNA position 361, T replaced by A.
Molecular consequence: intron variant.
Genome position (GRCh38, 1-based): chr9:127,826,683, A>T on the plus strand (T>A on the coding strand, the complement: ENG is on the minus strand). VCF-style: chr9-127826683-A-T. GRCh37 (hg19) VCF-style: chr9-130588962-A-T.
Other names: c.361-11T>A (NM_000118.4, NM_001406715.1); c.-186-11T>A (NM_001278138.2).
Identifiers: ClinVar variation 2735348 (VCV002735348.3), dbSNP rs2539078181, ClinGen allele CA2695211330.